The following is an entry in ClinVar:

NM_000071.3(CBS):c.761C>T (p.Ser254Leu)

Gene: CBS (cystathionine beta-synthase; minus strand). Cytogenetic location: 21q22.3.
Variant type: single nucleotide variant.
Coding change: c.761C>T on transcript NM_000071.3 (MANE Select); coding-DNA position 761, C replaced by T.
Protein change: p.Ser254Leu; replaces serine 254 with leucine.
Molecular consequence: missense variant.
Genome position (GRCh38, 1-based): chr21:43,063,967, G>A on the plus strand (C>T on the coding strand, the complement: CBS is on the minus strand). VCF-style: chr21-43063967-G-A. GRCh37 (hg19) VCF-style: chr21-44484077-G-A.
Other names: c.761C>T, p.Ser254Leu (NM_001178008.3, NM_001178009.3, NM_001320298.2); c.446C>T, p.Ser149Leu (NM_001321072.1); short protein forms S254L, S149L.
Identifiers: ClinVar variation 2125629 (VCV002125629.4), dbSNP rs2517437100, ClinGen allele CA410600344.

ClinVar aggregate classification (germline): Uncertain significance (1 of 4 stars; one submission).

Conditions:
HYPERHOMOCYSTEINEMIA, THROMBOTIC, CBS-RELATED. Identifiers: MedGen C3150344, OMIM 236200.

Submission:

Labcorp Genetics (formerly Invitae), Labcorp
Classification: Uncertain significance for HYPERHOMOCYSTEINEMIA, THROMBOTIC, CBS-RELATED. Last evaluated: 2022-04-12. Review status: criteria provided, single submitter. Criteria: Invitae Variant Classification Sherloc (09022015). Collection method: clinical testing. Allele origin: germline.
Comment: This variant has not been reported in the literature in individuals affected with CBS-related conditions. This variant is not present in population databases (gnomAD no frequency). This sequence change replaces serine, which is neutral and polar, with leucine, which is neutral and non-polar, at codon 254 of the CBS protein (p.Ser254Leu). In summary, the available evidence is currently insufficient to determine the role of this variant in disease. Therefore, it has been classified as a Variant of Uncertain Significance. Algorithms developed to predict the effect of missense changes on protein structure and function are either unavailable or do not agree on the potential impact of this missense change (SIFT: "Tolerated"; PolyPhen-2: "Possibly Damaging"; Align-GVGD: "Class C0").